The following is an entry in ClinVar:

NM_001024630.4(RUNX2):c.480C>G (p.Asn160Lys)

Gene: RUNX2 (RUNX family transcription factor 2; plus strand). Cytogenetic location: 6p21.1.
Variant type: single nucleotide variant.
Coding change: c.480C>G on transcript NM_001024630.4 (MANE Select); coding-DNA position 480, C replaced by G.
Protein change: p.Asn160Lys; replaces asparagine 160 with lysine.
Molecular consequence: missense variant.
Genome position (GRCh38, 1-based): chr6:45,431,919, C>G. VCF-style: chr6-45431919-C-G. GRCh37 (hg19) VCF-style: chr6-45399656-C-G.
Other names: c.480C>G, p.Asn160Lys (NM_001015051.4); c.438C>G, p.Asn146Lys (NM_001278478.2, NM_001369405.1); short protein forms N146K, N160K.
Identifiers: ClinVar variation 3340830 (VCV003340830.1).

ClinVar aggregate classification (germline): Likely pathogenic (1 of 4 stars; one submission).

Submission:

GeneDx
Classification: Likely pathogenic. Last evaluated: 2023-08-31. Review status: criteria provided, single submitter. Criteria: GeneDx Variant Classification Process June 2021. Collection method: clinical testing. Allele origin: germline. Affected: yes.
Comment: Not observed at significant frequency in large population cohorts (gnomAD); In silico analysis supports that this missense variant has a deleterious effect on protein structure/function; This variant is associated with the following publications: (PMID: 31347140)